The following is an entry in ClinVar:

ClinVar aggregate classification (germline): Uncertain significance (1 of 4 stars; one submission).

Submission:

Women's Health and Genetics/Laboratory Corporation of America, LabCorp
Classification: Uncertain significance. Last evaluated: 2026-03-10. Review status: criteria provided, single submitter. Criteria: LabCorp Variant Classification Summary - May 2015. Collection method: clinical testing. Allele origin: germline.
Comment: Variant summary: G6PD c.1318G>A (p.Gly440Ser) results in a non-conservative amino acid change in the encoded protein sequence. Algorithms developed to predict the effect of missense changes on protein structure and function all suggest that this variant is likely to be disruptive. The variant was absent in 183446 control chromosomes. The available data on variant occurrences in the general population are insufficient to allow any conclusion about variant significance. To our knowledge, no occurrence of c.1318G>A in individuals affected with G6PD-related conditions and no experimental evidence demonstrating its impact on protein function have been reported. No submitters have cited clinical-significance assessments for this variant to ClinVar. Based on the evidence outlined above, the variant was classified as uncertain significance.

NM_001360016.2(G6PD):c.1228G>A (p.Gly410Ser)

Gene: G6PD (glucose-6-phosphate dehydrogenase; minus strand). Cytogenetic location: Xq28.
Variant type: single nucleotide variant.
Coding change: c.1228G>A on transcript NM_001360016.2 (MANE Select); coding-DNA position 1228, G replaced by A.
Protein change: p.Gly410Ser; replaces glycine 410 with serine.
Molecular consequence: missense variant.
Genome position (GRCh38, 1-based): chrX:154,532,626, C>T on the plus strand (G>A on the coding strand, the complement: G6PD is on the minus strand). VCF-style: chrX-154532626-C-T. GRCh37 (hg19) VCF-style: chrX-153760841-C-T.
Other names: c.1318G>A, p.Gly440Ser (NM_000402.4); c.1228G>A, p.Gly410Ser (NM_001042351.3); short protein forms G410S, G440S.
Identifiers: ClinVar variation 4847347 (VCV004847347.1).